The following is an entry in ClinVar:

NM_001379500.1(COL18A1):c.1033C>A (p.Pro345Thr)

Gene: COL18A1 (collagen type XVIII alpha 1 chain; plus strand). Cytogenetic location: 21q22.3.
Variant type: single nucleotide variant.
Coding change: c.1033C>A on transcript NM_001379500.1 (MANE Select); coding-DNA position 1033, C replaced by A.
Protein change: p.Pro345Thr; replaces proline 345 with threonine.
Molecular consequence: missense variant.
Genome position (GRCh38, 1-based): chr21:45,477,777, C>A. VCF-style: chr21-45477777-C-A. GRCh37 (hg19) VCF-style: chr21-46897691-C-A.
Other names: c.1573C>A, p.Pro525Thr (NM_030582.4); c.2278C>A, p.Pro760Thr (NM_130444.3); short protein forms P760T, P345T, P525T.
Identifiers: ClinVar variation 2045527 (VCV002045527.4), dbSNP rs1410082277, ClinGen allele CA410515234.

ClinVar aggregate classification (germline): Uncertain significance (1 of 4 stars; one submission).

Submission:

Labcorp Genetics (formerly Invitae), Labcorp
Classification: Uncertain significance. Last evaluated: 2022-10-18. Review status: criteria provided, single submitter. Criteria: Invitae Variant Classification Sherloc (09022015). Collection method: clinical testing. Allele origin: germline.
Comment: This sequence change replaces proline, which is neutral and non-polar, with threonine, which is neutral and polar, at codon 345 of the COL18A1 protein (p.Pro345Thr). This variant is not present in population databases (gnomAD no frequency). This variant has not been reported in the literature in individuals affected with COL18A1-related conditions. Experimental studies and prediction algorithms are not available or were not evaluated, and the functional significance of this variant is currently unknown. In summary, the available evidence is currently insufficient to determine the role of this variant in disease. Therefore, it has been classified as a Variant of Uncertain Significance.